The following is an entry in ClinVar:

ClinVar aggregate classification (germline): Likely benign. Review status: criteria provided, multiple submitters, no conflicts (2 of 4 stars). 2 submissions from 2 submitters: Likely benign (2). Last evaluated 2024-06-21.

Allele frequency attached by ClinVar (database versions not stated): TOPMed 0.00002; gnomAD 0.00003; gnomAD exomes 0.00007; ExAC 0.00010.
gnomAD v4.1: 115 of 1,614,180 alleles (0.0071%); highest among the groups gnomAD compares: Middle Eastern, 0.05%; no homozygotes.

Submissions (2):

Blueprint Genetics
Classification: Likely benign. Last evaluated: 2024-06-21. Review status: criteria provided, single submitter. Criteria: ACMG Guidelines, 2015. Collection method: clinical testing. Allele origin: germline.

CeGaT Center for Human Genetics Tuebingen
Classification: Likely benign. Last evaluated: 2022-09-01. Review status: criteria provided, single submitter. Criteria: CeGaT Center For Human Genetics Tuebingen Variant Classification Criteria Version 2. Collection method: clinical testing. Allele origin: germline. Affected: yes. Observed: 1 variant allele.
Comment: HYDIN: BP4, BP7

NM_001270974.2(HYDIN):c.13794G>A (p.Val4598=)

Gene: HYDIN (HYDIN axonemal central pair apparatus protein; minus strand). Cytogenetic location: 16q22.2.
Variant type: single nucleotide variant.
Coding change: c.13794G>A on transcript NM_001270974.2 (MANE Select); coding-DNA position 13794, G replaced by A.
Protein change: p.Val4598=; no amino-acid change (valine 4598 retained).
Molecular consequence: synonymous variant.
Genome position (GRCh38, 1-based): chr16:70,832,953, C>T on the plus strand (G>A on the coding strand, the complement: HYDIN is on the minus strand). VCF-style: chr16-70832953-C-T. GRCh37 (hg19) VCF-style: chr16-70866856-C-T.
Identifiers: ClinVar variation 2646695 (VCV002646695.25), dbSNP rs757558911, ClinGen allele CA8148550.